The following is an entry in ClinVar:

NM_004006.3(DMD):c.9122C>A (p.Ala3041Asp)

Gene: DMD (dystrophin; minus strand). Cytogenetic location: Xp21.2.
Variant type: single nucleotide variant.
Coding change: c.9122C>A on transcript NM_004006.3 (MANE Select); coding-DNA position 9122, C replaced by A.
Protein change: p.Ala3041Asp; replaces alanine 3041 with aspartic acid.
Molecular consequence: missense variant.
Genome position (GRCh38, 1-based): chrX:31,348,597, G>T on the plus strand (C>A on the coding strand, the complement: DMD is on the minus strand). VCF-style: chrX-31348597-G-T. GRCh37 (hg19) VCF-style: chrX-31366714-G-T.
Other names: c.9098C>A, p.Ala3033Asp (NM_000109.4); c.9110C>A, p.Ala3037Asp (NM_004009.3); c.8753C>A, p.Ala2918Asp (NM_004010.3); c.5099C>A, p.Ala1700Asp (NM_004011.4); c.5090C>A, p.Ala1697Asp (NM_004012.4); c.1742C>A, p.Ala581Asp (NM_004013.3, NM_004020.4, NM_004021.3 and 2 more transcripts); c.935C>A, p.Ala312Asp (NM_004014.3); short protein forms A1697D, A2918D, A3033D, A3037D, A3041D, A581D, A1700D, A312D.
Identifiers: ClinVar variation 1765885 (VCV001765885.7), dbSNP rs747185260, ClinGen allele CA328421579.

ClinVar aggregate classification (germline): Conflicting classifications of pathogenicity. Review status: criteria provided, conflicting classifications (1 of 4 stars). 2 submissions from 2 submitters: Uncertain significance (1); Likely benign (1). Last evaluated 2025-04-01.

Conditions:
Duchenne muscular dystrophy (DMD). Also called: MUSCULAR DYSTROPHY, PSEUDOHYPERTROPHIC PROGRESSIVE, DUCHENNE TYPE; Duchenne Muscular Dystrophy (DMD). Identifiers: Orphanet 98896, MedGen C0013264, MONDO:0010679, OMIM 310200.
Cardiovascular phenotype. Identifiers: MedGen CN230736.

Allele frequency attached by ClinVar (database versions not stated): TOPMed 0.00002.
gnomAD v4.1: 28 of 1,211,022 alleles (0.0023%); highest among the groups gnomAD compares: Non-Finnish European, 0.0031%; no homozygotes.

Submissions (2):

Labcorp Genetics (formerly Invitae), Labcorp
Classification: Likely benign for Duchenne muscular dystrophy. Last evaluated: 2025-04-01. Review status: criteria provided, single submitter. Criteria: Invitae Variant Classification Sherloc (09022015). Collection method: clinical testing. Allele origin: germline.

Ambry Genetics
Classification: Uncertain significance for Cardiovascular phenotype. Last evaluated: 2022-09-02. Review status: criteria provided, single submitter. Criteria: Ambry Variant Classification Scheme 2023. Collection method: clinical testing. Allele origin: germline.
Comment: The p.A3041D variant (also known as c.9122C>A), located in coding exon 61 of the DMD gene, results from a C to A substitution at nucleotide position 9122. The alanine at codon 3041 is replaced by aspartic acid, an amino acid with dissimilar properties. Based on data from gnomAD, the A allele has an overall frequency of 0.0022% (4/181247) total alleles studied, with 2 hemizygote(s) observed. The highest observed frequency was 0.0077% (1/13026) of African/African American alleles. This amino acid position is highly conserved in available vertebrate species. In addition, this alteration is predicted to be deleterious by in silico analysis. Since supporting evidence is limited at this time, the clinical significance of this alteration remains unclear.